The following is an entry in ClinVar:

NM_014516.4(CNOT3):c.1407G>A (p.Ser469=)

Gene: CNOT3 (CCR4-NOT transcription complex subunit 3; plus strand). Cytogenetic location: 19q13.42.
Variant type: single nucleotide variant.
Coding change: c.1407G>A on transcript NM_014516.4 (MANE Select); coding-DNA position 1407, G replaced by A.
Protein change: p.Ser469=; no amino-acid change (serine 469 retained).
Molecular consequence: synonymous variant.
Genome position (GRCh38, 1-based): chr19:54,149,560, G>A. VCF-style: chr19-54149560-G-A. GRCh37 (hg19) VCF-style: chr19-54653295-G-A.
Identifiers: ClinVar variation 2132831 (VCV002132831.4), dbSNP rs2518436034, ClinGen allele CA2580097785.

ClinVar aggregate classification (germline): Uncertain significance (1 of 4 stars; one submission).

Submission:

Labcorp Genetics (formerly Invitae), Labcorp
Classification: Uncertain significance. Last evaluated: 2022-05-04. Review status: criteria provided, single submitter. Criteria: Invitae Variant Classification Sherloc (09022015). Collection method: clinical testing. Allele origin: germline.
Comment: This sequence change affects codon 469 of the CNOT3 mRNA. It is a 'silent' change, meaning that it does not change the encoded amino acid sequence of the CNOT3 protein. It affects a nucleotide within the consensus splice site. This variant is not present in population databases (gnomAD no frequency). This variant has not been reported in the literature in individuals affected with CNOT3-related conditions. In summary, the available evidence is currently insufficient to determine the role of this variant in disease. Therefore, it has been classified as a Variant of Uncertain Significance. Algorithms developed to predict the effect of sequence changes on RNA splicing suggest that this variant is not likely to affect RNA splicing.